The following is an entry in ClinVar:

NM_001143854.2(RPH3A):c.229G>A (p.Gly77Arg)

Gene: RPH3A (rabphilin 3A; plus strand). Cytogenetic location: 12q24.13.
Variant type: single nucleotide variant.
Coding change: c.229G>A on transcript NM_001143854.2 (MANE Select); coding-DNA position 229, G replaced by A.
Protein change: p.Gly77Arg; replaces glycine 77 with arginine.
Molecular consequence: missense variant. On other transcripts: non-coding transcript variant (2).
Genome position (GRCh38, 1-based): chr12:112,847,841, G>A. VCF-style: chr12-112847841-G-A. GRCh37 (hg19) VCF-style: chr12-113285646-G-A.
Other names: c.217G>A, p.Gly73Arg (NM_014954.4); c.229G>A, p.Gly77Arg (NM_001347952.2, NM_001347953.1, NM_001347954.2); c.28G>A, p.Gly10Arg (NM_001347955.2); short protein forms G10R, G73R, G77R.
Identifiers: ClinVar variation 928908 (VCV000928908.1), dbSNP rs375430419, ClinGen allele CA6798955.

ClinVar aggregate classification (germline): Uncertain significance (1 of 4 stars; one submission).

Allele frequency attached by ClinVar (database versions not stated): gnomAD 0.00006 and 0.00007; ExAC 0.00007; TOPMed 0.00007; ESP Exome Variant Server 0.00008; gnomAD exomes 0.00010.
gnomAD v4.1: 156 of 1,613,802 alleles (0.0097%); highest among the groups gnomAD compares: Middle Eastern, 0.016%; no homozygotes.

Submission:

Women's Health and Genetics/Laboratory Corporation of America, LabCorp
Classification: Uncertain significance. Last evaluated: 2019-03-04. Review status: criteria provided, single submitter. Criteria: LabCorp Variant Classification Summary - May 2015. Collection method: clinical testing. Allele origin: germline.
Comment: Variant summary: The variant, RPH3A c.229G>A (p.Gly77Arg) results in a non-conservative amino acid change located in the Rab-binding domain and FYVE-type zinc finger domain of the encoded protein sequence. Five of five in-silico tools predict a damaging effect of the variant on protein function. The variant allele was found at a frequency of 9.4e-05 in 276746 control chromosomes (gnomAD). To our knowledge, no occurrence of c.229G>A in individuals affected with Congenital myasthenic syndrome and no experimental evidence demonstrating its impact on protein function have been reported. No clinical diagnostic laboratories have submitted clinical-significance assessments for this variant to ClinVar after 2014. Based on the evidence outlined above, the variant was classified as uncertain significance.